The following is an entry in ClinVar:

NM_020461.4(TUBGCP6):c.5180C>T (p.Thr1727Met)

Gene: TUBGCP6 (tubulin gamma complex component 6; minus strand). Cytogenetic location: 22q13.33.
Variant type: single nucleotide variant.
Coding change: c.5180C>T on transcript NM_020461.4 (MANE Select); coding-DNA position 5180, C replaced by T.
Protein change: p.Thr1727Met; replaces threonine 1727 with methionine.
Molecular consequence: missense variant.
Genome position (GRCh38, 1-based): chr22:50,218,106, G>A on the plus strand (C>T on the coding strand, the complement: TUBGCP6 is on the minus strand). VCF-style: chr22-50218106-G-A. GRCh37 (hg19) VCF-style: chr22-50656535-G-A.
Other names: short protein forms T1727M.
Identifiers: ClinVar variation 1006863 (VCV001006863.8), dbSNP rs1000113726, ClinGen allele CA325508755.

ClinVar aggregate classification (germline): Uncertain significance (1 of 4 stars; one submission).

Allele frequency attached by ClinVar (database versions not stated): gnomAD 0.00001; gnomAD exomes 0.00001; TOPMed 0.00002.
gnomAD v4.1: 8 of 1,612,460 alleles (0.0005%); highest among the groups gnomAD compares: African/African-American, 0.0027%; no homozygotes.

Submission:

Labcorp Genetics (formerly Invitae), Labcorp
Classification: Uncertain significance. Last evaluated: 2024-02-23. Review status: criteria provided, single submitter. Criteria: Invitae Variant Classification Sherloc (09022015). Collection method: clinical testing. Allele origin: germline.
Comment: This sequence change replaces threonine, which is neutral and polar, with methionine, which is neutral and non-polar, at codon 1727 of the TUBGCP6 protein (p.Thr1727Met). This variant is present in population databases (no rsID available, gnomAD 0.004%). This variant has not been reported in the literature in individuals affected with TUBGCP6-related conditions. ClinVar contains an entry for this variant (Variation ID: 1006863). An algorithm developed to predict the effect of missense changes on protein structure and function (PolyPhen-2) suggests that this variant is likely to be disruptive. In summary, the available evidence is currently insufficient to determine the role of this variant in disease. Therefore, it has been classified as a Variant of Uncertain Significance.